The following is an entry in ClinVar:

ClinVar aggregate classification (germline): Conflicting classifications of pathogenicity. Review status: criteria provided, conflicting classifications (1 of 4 stars). 2 submissions from 2 submitters: Uncertain significance (1); Benign (1). Last evaluated 2025-12-15.

Conditions:
Autoimmune enteropathy and endocrinopathy - susceptibility to chronic infections syndrome. Also called: Immunodeficiency 31C; Immunodeficiency 31C, autosomal dominant. Identifiers: Orphanet 391487, MedGen C3279990, MONDO:0013599, OMIM 614162.
Mendelian susceptibility to mycobacterial diseases due to partial STAT1 deficiency. Also called: IMMUNODEFICIENCY 31A, MYCOBACTERIOSIS, AUTOSOMAL DOMINANT; STAT1 DEFICIENCY, AUTOSOMAL DOMINANT; Immunodeficiency 31a. Identifiers: Orphanet 319595, MedGen C4013950, MONDO:0013956, OMIM 614892.
Immunodeficiency 31B. Also called: IMMUNODEFICIENCY 31B, MYCOBACTERIAL AND VIRAL INFECTIONS, AUTOSOMAL RECESSIVE; STAT1 DEFICIENCY, AUTOSOMAL RECESSIVE. Identifiers: Orphanet 391311, MedGen C3151088, MONDO:0013427, OMIM 613796.

Allele frequency attached by ClinVar (database versions not stated): gnomAD 0.00006 and 0.00007; TOPMed 0.00011; gnomAD exomes 0.00012 and 0.00013; ExAC 0.00024.
gnomAD v4.1: 198 of 1,559,400 alleles (0.013%); highest among the groups gnomAD compares: Non-Finnish European, 0.016%; no homozygotes.

Submissions (2):

Labcorp Genetics (formerly Invitae), Labcorp
Classification: Uncertain significance for Mendelian susceptibility to mycobacterial diseases due to partial STAT1 deficiency; Immunodeficiency 31B; Autoimmune enteropathy and endocrinopathy - susceptibility to chronic infections syndrome. Last evaluated: 2025-12-15. Review status: criteria provided, single submitter. Criteria: Invitae Variant Classification Sherloc (09022015). Collection method: clinical testing. Allele origin: germline.
Comment: This sequence change replaces phenylalanine, which is neutral and non-polar, with leucine, which is neutral and non-polar, at codon 364 of the STAT1 protein (p.Phe364Leu). This variant is present in population databases (rs759722579, gnomAD 0.02%). This variant has not been reported in the literature in individuals affected with STAT1-related conditions. ClinVar contains an entry for this variant (Variation ID: 333283). An algorithm developed to predict the effect of missense changes on protein structure and function (PolyPhen-2) suggests that this variant is likely to be tolerated. In summary, the available evidence is currently insufficient to determine the role of this variant in disease. Therefore, it has been classified as a Variant of Uncertain Significance.

Illumina Laboratory Services, Illumina
Classification: Benign for Mendelian susceptibility to mycobacterial diseases due to partial STAT1 deficiency. Last evaluated: 2018-01-13. Review status: criteria provided, single submitter. Criteria: ICSL Variant Classification Criteria 13 December 2019. Collection method: clinical testing. Allele origin: germline.
Comment: This variant was observed in the ICSL laboratory as part of a predisposition screen in an ostensibly healthy population. It had not been previously curated by ICSL or reported in the Human Gene Mutation Database (HGMD: prior to June 1st, 2018), and was therefore a candidate for classification through an automated scoring system. Utilizing variant allele frequency, disease prevalence and penetrance estimates, and inheritance mode, an automated score was calculated to assess if this variant is too frequent to cause the disease. Based on the score and internal cut-off values, a variant classified as benign is not then subjected to further curation. The score for this variant resulted in a classification of benign for this disease.

NM_007315.4(STAT1):c.1090T>C (p.Phe364Leu)

Gene: STAT1 (signal transducer and activator of transcription 1; minus strand). Cytogenetic location: 2q32.2.
Variant type: single nucleotide variant.
Coding change: c.1090T>C on transcript NM_007315.4 (MANE Select); coding-DNA position 1090, T replaced by C.
Protein change: p.Phe364Leu; replaces phenylalanine 364 with leucine.
Molecular consequence: missense variant. On other transcripts: intron variant (1).
Genome position (GRCh38, 1-based): chr2:190,989,622, A>G on the plus strand (T>C on the coding strand, the complement: STAT1 is on the minus strand). VCF-style: chr2-190989622-A-G. GRCh37 (hg19) VCF-style: chr2-191854348-A-G.
Other names: c.1096T>C, p.Phe366Leu (NM_001384881.1, NM_001384884.1); c.1090T>C, p.Phe364Leu (NM_001384882.1, NM_001384886.1, NM_001384888.1 and 2 more transcripts); c.991T>C, p.Phe331Leu (NM_001384883.1); c.931T>C, p.Phe311Leu (NM_001384885.1); c.997T>C, p.Phe333Leu (NM_001384887.1); c.1000T>C, p.Phe334Leu (NM_001384890.1); c.1126T>C, p.Phe376Leu (NM_001384891.1); c.1037+1606T>C (NM_001384880.1); short protein forms F364L, F311L, F331L, F333L, F334L, F366L, F376L.
Identifiers: ClinVar variation 333283 (VCV000333283.11), dbSNP rs759722579, ClinGen allele CA2030074.